The following is an entry in ClinVar:

NM_001379110.1(SLC9A6):c.1083G>A (p.Leu361=)

Gene: SLC9A6 (solute carrier family 9 member A6; plus strand). Cytogenetic location: Xq26.3.
Variant type: single nucleotide variant.
Coding change: c.1083G>A on transcript NM_001379110.1 (MANE Select); coding-DNA position 1083, G replaced by A.
Protein change: p.Leu361=; no amino-acid change (leucine 361 retained).
Molecular consequence: synonymous variant.
Genome position (GRCh38, 1-based): chrX:136,016,647, G>A. VCF-style: chrX-136016647-G-A. GRCh37 (hg19) VCF-style: chrX-135098806-G-A.
Other names: NM_001379110.1(SLC9A6):c.1083G>A; p.Leu361=; c.1239G>A, p.Leu413= (NM_001042537.2); c.1083G>A, p.Leu361= (NM_001177651.2); c.987G>A, p.Leu329= (NM_001330652.2); c.1143G>A, p.Leu381= (NM_006359.3).
Identifiers: ClinVar variation 469632 (VCV000469632.45), dbSNP rs151178361, ClinGen allele CA10524772.

ClinVar aggregate classification (germline): Benign. Review status: reviewed by expert panel (3 of 4 stars). 7 submissions from 7 submitters: Benign (1). 6 of the submissions do not count toward it. Last evaluated 2024-02-23.

Conditions:
SLC9A6-related disorder. Also called: SLC9A6-related condition.
History of neurodevelopmental disorder. Identifiers: MedGen C2711754.
Christianson syndrome (MRXSCH). Also called: X-linked mental retardation, syndromic, Christianson type; INTELLECTUAL DEVELOPMENTAL DISORDER, X-LINKED, SYNDROMIC, CHRISTIANSON TYPE; SLC9A6-Related Syndromic Mental Retardation. Identifiers: Orphanet 85278, MedGen C2678194, MONDO:0010278, OMIM 300243.

Allele frequency attached by ClinVar (database versions not stated): ExAC 0.00016; TOPMed 0.00018; ESP Exome Variant Server 0.00019; gnomAD 0.00020 and 0.00022; gnomAD exomes 0.00020 and 0.00015.
gnomAD v4.1: 222 of 1,116,837 alleles (0.02%); highest among the groups gnomAD compares: Admixed American, 0.026%; no homozygotes.

Submissions (7):

ClinGen Rett and Angelman-like Disorders Variant Curation Expert Panel
Classification: Benign for Christianson syndrome. Last evaluated: 2024-02-23. Review status: reviewed by expert panel. Criteria: ClinGen RettAS ACMG Specifications SLC9A6 V3.0.0. Collection method: curation. Allele origin: germline. Inheritance: X-linked inheritance.
Comment: The allele frequency of the p.Leu381= variant in SLC9A6 (NM_006359.2) is 0.024% in European (Non-Finnish) sub population in gnomAD v2, which is high enough to meet the BS1 criteria based on thresholds defined by the ClinGen Rett/Angelman-like Expert Panel for Rett/AS-like conditions (BS1). The silent p.Leu381= variant is not predicted to affect splicing using multiple computational tools and does not affect a highly conserved nucleotide (BP4, BP7). The p.Leu381= variant is observed in the hemizygous state in at least 2 unaffected individuals (internal database - GeneDx) (BS2_strong). The p.Leu381= variant is found in at least 3 patients with an alternate molecular basis of disease (internal database - GeneDx, internal database - Invitae) (BP5_strong). In summary, the p.Leu381= variant in SLC9A6 is classified as benign based on the ACMG/AMP criteria (BS1, BP4, BP7, BS2_strong, BP5_strong).

Labcorp Genetics (formerly Invitae), Labcorp
Classification: Benign for Christianson syndrome. Last evaluated: 2025-12-21. Review status: criteria provided, single submitter. Criteria: Invitae Variant Classification Sherloc (09022015). Collection method: clinical testing. Allele origin: germline. Not counted in ClinVar's aggregate classification.

CeGaT Center for Human Genetics Tuebingen
Classification: Likely benign. Last evaluated: 2025-05-01. Review status: criteria provided, single submitter. Criteria: CeGaT Center For Human Genetics Tuebingen Variant Classification Criteria Version 2. Collection method: clinical testing. Allele origin: germline. Affected: yes. Observed: 2 variant alleles. Not counted in ClinVar's aggregate classification.
Comment: SLC9A6: BP4, BS2

Eurofins Ntd Llc (ga)
Classification: Uncertain significance. Last evaluated: 2016-10-14. Review status: criteria provided, single submitter. Criteria: EGL Classification Definitions 2015. Collection method: clinical testing. Allele origin: germline. Observed: 1 variant allele, 1 hemizygote. Not counted in ClinVar's aggregate classification.

GeneDx
Classification: Benign. Last evaluated: 2015-03-03. Review status: criteria provided, single submitter. Criteria: GeneDx Variant Classification Process June 2021. Collection method: clinical testing. Allele origin: germline. Affected: yes. Not counted in ClinVar's aggregate classification.

Ambry Genetics
Classification: Likely benign for History of neurodevelopmental disorder. Last evaluated: 2013-10-18. Review status: criteria provided, single submitter. Criteria: Ambry Autosomal Dominant and X-Linked criteria (10/2015). Collection method: clinical testing. Allele origin: germline. Observed: 1 variant allele. Not counted in ClinVar's aggregate classification.

PreventionGenetics, part of Exact Sciences
Classification: Likely benign for SLC9A6-related condition. Last evaluated: 2023-11-27. Review status: no assertion criteria provided. Collection method: clinical testing. Allele origin: germline. Not counted in ClinVar's aggregate classification.
Comment: This variant is classified as likely benign based on ACMG/AMP sequence variant interpretation guidelines (Richards et al. 2015 PMID: 25741868, with internal and published modifications).